The following is an entry in ClinVar:

NM_004409.5(DMPK):c.*224CTG[1189]

Genes: DM1-AS (DM1 locus antisense RNA; plus strand), DMPK (DM1 protein kinase; minus strand), LOC107075317 (origin of replication in DMPK trinucleotide repeat region; plus strand), LOC109461477 (dystrophia myotonica protein kinase repeat instability region; plus strand). Cytogenetic location: 19q13.32.
Variant type: Microsatellite.
Coding change: c.*224CTG[1189] on transcript NM_004409.5 (MANE Select); 1,189 copies in a row of the 3-base unit CTG starting at c.*224.
Molecular consequence: 3 prime UTR variant.
Genome position: GRCh38, VCF-style position (the base before the change): chr19:45,770,204. GRCh37 (hg19), VCF-style position (the base before the change): chr19:46,273,462.
Other names: DM1 CTG repeat expansion; c.*217CTG[1189] (NM_001424166.1, NM_001424163.1, NM_001288765.2 and 2 more transcripts); c.*369CTG[1189] (NM_001424164.1, NM_001424168.1, NM_001288766.2); c.*224CTG[1189] (NM_001424165.1, NM_001424169.1, NM_001288764.2 and 1 more transcripts); c.*222_*224TGC[1189] (NM_001081563.3).
Identifiers: ClinVar variation 187913 (VCV000187913.1), ClinGen allele CA915951709.

ClinVar aggregate classification (germline): Pathogenic (0 of 4 stars; one submission).

Conditions:
Steinert myotonic dystrophy syndrome (DM1). Also called: STEINERT DISEASE; Myotonic dystrophy type 1; Dystrophia myotonica type 1; Steinert myotonic dystrophy; Steinert's disease. Identifiers: Orphanet 273, MedGen C3250443, MONDO:0008056, OMIM 160900.

Submission:

Institute of Molecular, Cell and Systems Biology, University of Glasgow
Classification: Pathogenic for Steinert myotonic dystrophy syndrome. Review status: no assertion criteria provided. Criteria: research. Collection method: research. Allele origin: germline. Inheritance: Autosomal dominant inheritance. Affected: yes. Observed: 1 heterozygote.
Comment: DMPK CTG repeat expansions greater than approximately 45-50 repeats are assumed to be pathogenic

This record is based on data published in PubMed 25052313, which reports only ClinVar accessions SCV000120188 and SCV000120189. The complete data set includes SCV000207445 - SCV000207579.

Literature cited by the submitters: PubMed 1346923; PubMed 1546326; PubMed 25052313.